The following is an entry in ClinVar:

NM_001933.5(DLST):c.631G>C (p.Ala211Pro)

Gene: DLST (dihydrolipoamide S-succinyltransferase; plus strand). Cytogenetic location: 14q24.3.
Variant type: single nucleotide variant.
Coding change: c.631G>C on transcript NM_001933.5 (MANE Select); coding-DNA position 631, G replaced by C.
Protein change: p.Ala211Pro; replaces alanine 211 with proline.
Molecular consequence: missense variant. On other transcripts: non-coding transcript variant (2).
Genome position (GRCh38, 1-based): chr14:74,893,383, G>C. VCF-style: chr14-74893383-G-C. GRCh37 (hg19) VCF-style: chr14-75360086-G-C.
Other names: short protein forms A211P.
Identifiers: ClinVar variation 4737455 (VCV004737455.1).

ClinVar aggregate classification (germline): Uncertain significance (1 of 4 stars; one submission).

Submission:

Labcorp Genetics (formerly Invitae), Labcorp
Classification: Uncertain significance. Last evaluated: 2025-08-14. Review status: criteria provided, single submitter. Criteria: Invitae Variant Classification Sherloc (09022015). Collection method: clinical testing. Allele origin: germline.
Comment: This sequence change replaces alanine, which is neutral and non-polar, with proline, which is neutral and non-polar, at codon 211 of the DLST protein (p.Ala211Pro). This variant is not present in population databases (gnomAD no frequency). This variant has not been reported in the literature in individuals affected with DLST-related conditions. Invitae Evidence Modeling of protein sequence and biophysical properties (such as structural, functional, and spatial information, amino acid conservation, physicochemical variation, residue mobility, and thermodynamic stability) indicates that this missense variant is not expected to disrupt DLST protein function with a negative predictive value of 80%. In summary, the available evidence is currently insufficient to determine the role of this variant in disease. Therefore, it has been classified as a Variant of Uncertain Significance.